The following is an entry in ClinVar:

NM_012210.4(TRIM32):c.98G>A (p.Arg33His)

Genes: ASTN2 (astrotactin 2; minus strand), TRIM32 (tripartite motif containing 32; plus strand). Cytogenetic location: 9q33.1.
Variant type: single nucleotide variant.
Coding change: c.98G>A on transcript NM_012210.4 (MANE Select); coding-DNA position 98, G replaced by A.
Protein change: p.Arg33His; replaces arginine 33 with histidine.
Molecular consequence: missense variant. On other transcripts: intron variant (3).
Genome position (GRCh38, 1-based): chr9:116,697,840, G>A. VCF-style: chr9-116697840-G-A. GRCh37 (hg19) VCF-style: chr9-119460119-G-A.
Other names: c.98G>A, p.Arg33His (NM_001099679.2, NM_001379048.1, NM_001379049.1 and 1 more transcripts); c.2653+27931C>T (NM_014010.5); c.2794+27931C>T (NM_001365069.1); c.2806+27931C>T (NM_001365068.1); short protein forms R33H.
Identifiers: ClinVar variation 284679 (VCV000284679.13), dbSNP rs199863390, ClinGen allele CA5210903.

ClinVar aggregate classification (germline): Uncertain significance. Review status: criteria provided, multiple submitters, no conflicts (2 of 4 stars). 3 submissions from 3 submitters: Uncertain significance (3). Last evaluated 2025-09-01.

Conditions:
Bardet-Biedl syndrome 11 (BBS11). Identifiers: Orphanet 110, MedGen C1859569, MONDO:0014439, OMIM 615988.
Sarcotubular myopathy (LGMDR8). Also called: Hutterite type of muscular dystrophy; MUSCULAR DYSTROPHY, LIMB-GIRDLE, AUTOSOMAL RECESSIVE 8; Autosomal recessive limb-girdle muscular dystrophy type 2H; Limb-girdle muscular dystrophy, type 2H. Identifiers: Orphanet 1878, MedGen C0270968, MONDO:0009683, OMIM 254110.

Allele frequency attached by ClinVar (database versions not stated): gnomAD exomes below 0.00001; ExAC 0.00001; TOPMed 0.00001.
gnomAD v4.1: 5 of 1,614,152 alleles (0.00031%); highest among the groups gnomAD compares: East Asian, 0.0045%; no homozygotes.

Submissions (3):

CeGaT Center for Human Genetics Tuebingen
Classification: Uncertain significance. Last evaluated: 2025-09-01. Review status: criteria provided, single submitter. Criteria: CeGaT Center For Human Genetics Tuebingen Variant Classification Criteria Version 2. Collection method: clinical testing. Allele origin: germline. Affected: yes. Observed: 1 variant allele.
Comment: TRIM32: PM2, PP3

Fulgent Genetics
Classification: Uncertain significance for Sarcotubular myopathy; Bardet-Biedl syndrome 11. Last evaluated: 2022-02-12. Review status: criteria provided, single submitter. Criteria: ACMG Guidelines, 2015. Collection method: clinical testing. Allele origin: unknown.

Eurofins Ntd Llc (ga)
Classification: Uncertain significance. Last evaluated: 2015-11-06. Review status: criteria provided, single submitter. Criteria: EGL Classification Definitions 2015. Collection method: clinical testing. Allele origin: germline. Observed: 1 variant allele, 1 heterozygote.